The following is an entry in ClinVar:

NM_014391.3(ANKRD1):c.652-9_661del

Gene: ANKRD1 (ankyrin repeat domain 1; minus strand). Cytogenetic location: 10q23.31.
Variant type: Deletion.
Coding change: c.652-9_661del on transcript NM_014391.3 (MANE Select); 9 bases into the intron before coding-DNA position 652 through coding-DNA position 661, 19 bases deleted (ATTTTCCAGTTGCTCAGCA).
Molecular consequence: splice acceptor variant.
Genome position (GRCh38, 1-based): chr10:90,915,871-90,915,889, TGCTGAGCAACTGGAAAAT deleted on the plus strand (ATTTTCCAGTTGCTCAGCA on the coding strand, the reverse complement: ANKRD1 is on the minus strand); deleting any 19 consecutive bases within chr10:90,915,871-90,915,891 gives the same sequence; the c. name uses the placement nearest the transcript's 3' end. VCF-style (leftmost placement, unchanged base first): chr10-90915870-GTGCTGAGCAACTGGAAAAT-G. GRCh37 (hg19) VCF-style: chr10-92675627-GTGCTGAGCAACTGGAAAAT-G.
Identifiers: ClinVar variation 1046777 (VCV001046777.6), dbSNP rs1847364880, ClinGen allele CA1927498743.

ClinVar aggregate classification (germline): Uncertain significance (1 of 4 stars; one submission).

Conditions:
ANKRD1-related dilated cardiomyopathy. Identifiers: MedGen CN119551.

Submission:

Labcorp Genetics (formerly Invitae), Labcorp
Classification: Uncertain significance for ANKRD1-related dilated cardiomyopathy. Last evaluated: 2020-01-14. Review status: criteria provided, single submitter. Criteria: Invitae Variant Classification Sherloc (09022015). Collection method: clinical testing. Allele origin: germline.
Comment: In summary, the available evidence is currently insufficient to determine the role of this variant in disease. Therefore, it has been classified as a Variant of Uncertain Significance. The current clinical and genetic evidence is not sufficient to establish whether loss-of-function variants in ANKRD1 cause disease. Algorithms developed to predict the effect of sequence changes on RNA splicing suggest that this variant may disrupt the consensus splice site, but this prediction has not been confirmed by published transcriptional studies. This variant has not been reported in the literature in individuals with ANKRD1-related conditions. This variant is not present in population databases (ExAC no frequency). This variant results in the deletion of part of exon 7 (c.652-9_661del) of the ANKRD1 gene. It is expected to disrupt RNA splicing and likely results in an absent or disrupted protein product.